The following is an entry in ClinVar:

NM_001127222.2(CACNA1A):c.2395C>A (p.Pro799Thr)

Gene: CACNA1A (calcium voltage-gated channel subunit alpha1 A; minus strand). Cytogenetic location: 19p13.13.
Variant type: single nucleotide variant.
Coding change: c.2395C>A on transcript NM_001127222.2 (MANE Select); coding-DNA position 2395, C replaced by A.
Protein change: p.Pro799Thr; replaces proline 799 with threonine.
Molecular consequence: missense variant.
Genome position (GRCh38, 1-based): chr19:13,299,238, G>T on the plus strand (C>A on the coding strand, the complement: CACNA1A is on the minus strand). VCF-style: chr19-13299238-G-T. GRCh37 (hg19) VCF-style: chr19-13410052-G-T.
Other names: c.2398C>A, p.Pro800Thr (NM_001174080.2, NM_001127221.2); c.2407C>A, p.Pro803Thr (NM_023035.3, NM_000068.4); short protein forms P799T, P800T, P803T.
Identifiers: ClinVar variation 1189538 (VCV001189538.2), dbSNP rs2144957730, ClinGen allele CA404343544.
Genomic context (GRCh38, chr19:13,299,238, plus strand): 5'-AGTGCGTCTTCATGTCTGGCCGCAGGTGCCGCGTGTAGGCAGCCTTCCAGCGCTCGTCCG[G>T]GTCCATTTCGTTATACAGGGCCTCCCGGCTGGCCAGCAAGTTCTGCTTTCGCATCTCACT-3'
Protein context (NP_001120694.1, residues 789-809): SREALYNEMD[Pro799Thr]DERWKAAYTR

ClinVar aggregate classification (germline): Uncertain significance (1 of 4 stars; one submission).

Submission:

GeneDx
Classification: Uncertain significance. Last evaluated: 2021-05-07. Review status: criteria provided, single submitter. Criteria: GeneDx Variant Classification Process June 2021. Collection method: clinical testing. Allele origin: germline. Affected: yes.
Comment: Not observed in large population cohorts (Lek et al., 2016); In silico analysis, which includes protein predictors and evolutionary conservation, supports a deleterious effect; Has not been previously published as pathogenic or benign to our knowledge